The following is an entry in ClinVar:

ClinVar aggregate classification (germline): Benign/Likely benign. Review status: criteria provided, multiple submitters, no conflicts (2 of 4 stars). 3 submissions from 3 submitters: Benign (1); Likely benign (2). Last evaluated 2025-05-11.

Conditions:
Early-infantile DEE. Also called: Ohtahara syndrome; Early infantile epileptic encephalopathy with suppression bursts; Early infantile epileptic encephalopathy. Identifiers: Orphanet 1934, MedGen C0393706, MONDO:0800491.
KCNQ2-Related Disorders. Also called: KCNQ2-related disorder; KCNQ2-related condition. Identifiers: MedGen CN169299.

Allele frequency attached by ClinVar (database versions not stated): gnomAD 0.00001 and 0.00002; gnomAD exomes 0.00001 and 0.00002; TOPMed 0.00001.
gnomAD v4.1: 14 of 1,560,360 alleles (0.0009%); highest among the groups gnomAD compares: Non-Finnish European, 0.0012%; no homozygotes.

Submissions (3):

Labcorp Genetics (formerly Invitae), Labcorp
Classification: Likely benign for Early-infantile DEE. Last evaluated: 2025-05-11. Review status: criteria provided, single submitter. Criteria: Invitae Variant Classification Sherloc (09022015). Collection method: clinical testing. Allele origin: germline.

PreventionGenetics, part of Exact Sciences
Classification: Likely benign for KCNQ2-related condition. Last evaluated: 2024-10-13. Review status: criteria provided, single submitter. Criteria: ACMG Guidelines, 2015. Collection method: clinical testing. Allele origin: germline.
Comment: This variant is classified as likely benign based on ACMG/AMP sequence variant interpretation guidelines (Richards et al. 2015 PMID: 25741868, with internal and published modifications).

GeneDx
Classification: Benign. Last evaluated: 2015-08-04. Review status: criteria provided, single submitter. Criteria: GeneDx Variant Classification Process June 2021. Collection method: clinical testing. Allele origin: germline. Affected: yes.

NM_172107.4(KCNQ2):c.2133G>A (p.Gln711=)

Gene: KCNQ2 (potassium voltage-gated channel subfamily Q member 2; minus strand). Cytogenetic location: 20q13.33.
Variant type: single nucleotide variant.
Coding change: c.2133G>A on transcript NM_172107.4 (MANE Select); coding-DNA position 2133, G replaced by A.
Protein change: p.Gln711=; no amino-acid change (glutamine 711 retained).
Molecular consequence: synonymous variant.
Genome position (GRCh38, 1-based): chr20:63,407,130, C>T on the plus strand (G>A on the coding strand, the complement: KCNQ2 is on the minus strand). VCF-style: chr20-63407130-C-T. GRCh37 (hg19) VCF-style: chr20-62038483-C-T.
Other names: c.2133G>A (NM_172107.3); c.2049G>A, p.Gln683= (NM_004518.6); c.2079G>A, p.Gln693= (NM_172106.3); c.2040G>A, p.Gln680= (NM_172108.5).
Identifiers: ClinVar variation 697620 (VCV000697620.14), dbSNP rs946287354, ClinGen allele CA317422227.